The following is an entry in ClinVar:

NC_000018.9:g.(?_28647971)_(29178648_?)dup

Genes: DSC1 (desmocollin 1; minus strand), DSC2 (desmocollin 2; minus strand), DSG1 (desmoglein 1; plus strand), DSG2 (desmoglein 2; plus strand), DSG3 (desmoglein 3; plus strand) and 2 more. Cytogenetic location: 18q12.1.
Variant type: Duplication.
Identifiers: ClinVar variation 833405 (VCV000833405.1).

ClinVar aggregate classification (germline): Uncertain significance (1 of 4 stars; one submission).

Conditions:
Amyloidosis, hereditary systemic 1 (AMYLD1). Also called: Familial amyloid polyneuropathy; Transthyretin Amyloidosis; AMYLOID CARDIOMYOPATHY; Isolated Cardiac Amyloidosis; Amyloid Cardiomyopathy, Transthyretin-related; Hereditary oculoleptomeningeal amyloid angiopathy. Identifiers: Orphanet 85447, Orphanet 85451, MedGen C2751492, MONDO:0971004, OMIM 105210.

Submission:

Labcorp Genetics (formerly Invitae), Labcorp
Classification: Uncertain significance for Amyloidogenic transthyretin amyloidosis. Last evaluated: 2019-02-20. Review status: criteria provided, single submitter. Criteria: Invitae Variant Classification Sherloc (09022015). Collection method: clinical testing. Allele origin: germline.
Comment: This variant results in a copy number gain of the genomic region encompassing the full coding sequence of the TTR gene. The boundaries of this event are unknown as they extend beyond the assayed region for this gene and therefore may encompass additional genes. As the precise location of this event is unknown, it may be in tandem or it may be located elsewhere in the genome. This variant has not been reported in the literature in individuals with TTR-related conditions. In summary, the available evidence is currently insufficient to determine the role of this variant in disease. Therefore, it has been classified as a Variant of Uncertain Significance.